The following is an entry in ClinVar:

NM_003824.4(FADD):c.620C>T (p.Ala207Val)

Gene: FADD (Fas associated via death domain; plus strand). Cytogenetic location: 11q13.3.
Variant type: single nucleotide variant.
Coding change: c.620C>T on transcript NM_003824.4 (MANE Select); coding-DNA position 620, C replaced by T.
Protein change: p.Ala207Val; replaces alanine 207 with valine.
Molecular consequence: missense variant.
Genome position (GRCh38, 1-based): chr11:70,206,466, C>T. VCF-style: chr11-70206466-C-T. GRCh37 (hg19) VCF-style: chr11-70052572-C-T.
Other names: p.Ala207Val; c.620C>T (NM_003824.3); short protein forms A207V.
Identifiers: ClinVar variation 1128791 (VCV001128791.11), dbSNP rs146934620, ClinGen allele CA6158516.
Genomic context (GRCh38, chr11:70,206,466, plus strand): 5'-AGAACAGGAGTGGGGCCATGTCCCCGATGTCATGGAACTCAGACGCATCTACCTCCGAAG[C>T]GTCCTGATGGGCCGCTGCTTTGCGCTGGTGGACCACAGGCATCTACACAGCCTGGACTTT-3'
Protein context (NP_003815.1, residues 197-208): SWNSDASTSE[Ala207Val]S

ClinVar aggregate classification (germline): Conflicting classifications of pathogenicity. Review status: criteria provided, conflicting classifications (1 of 4 stars). 3 submissions from 3 submitters: Uncertain significance (2); Likely benign (1). Last evaluated 2026-01-21.

Conditions:
FADD-related immunodeficiency. Also called: FADD DEFICIENCY; Infections, recurrent, with encephalopathy, hepatic dysfunction, and cardiovascular malformations. Identifiers: Orphanet 306550, MedGen C3151062, MONDO:0013408, OMIM 613759.

Allele frequency attached by ClinVar (database versions not stated): gnomAD exomes 0.00008 and 0.00021; 1000 Genomes Project 0.00020; ExAC 0.00027; 1000 Genomes Project 30x 0.00062; ESP Exome Variant Server 0.00092; gnomAD 0.00100 and 0.00109; TOPMed 0.00125.
gnomAD v4.1: 280 of 1,613,686 alleles (0.017%); highest among the groups gnomAD compares: African/African-American, 0.33%; 1 homozygote.

Submissions (3):

Labcorp Genetics (formerly Invitae), Labcorp
Classification: Likely benign for FADD-related immunodeficiency. Last evaluated: 2026-01-21. Review status: criteria provided, single submitter. Criteria: Invitae Variant Classification Sherloc (09022015). Collection method: clinical testing. Allele origin: germline.

Mayo Clinic Laboratories, Mayo Clinic
Classification: Uncertain significance. Last evaluated: 2024-02-14. Review status: criteria provided, single submitter. Criteria: ACMG Guidelines, 2015. Collection method: clinical testing. Allele origin: germline. Observed: 1 variant allele.
Comment: BP4

Women's Health and Genetics/Laboratory Corporation of America, LabCorp
Classification: Uncertain significance. Last evaluated: 2023-10-11. Review status: criteria provided, single submitter. Criteria: LabCorp Variant Classification Summary - May 2015. Collection method: clinical testing. Allele origin: germline.
Comment: Variant summary: FADD c.620C>T (p.Ala207Val) results in a non-conservative amino acid change in the encoded protein sequence. Three of four in-silico tools predict a benign effect of the variant on protein function. The variant allele was found at a frequency of 0.00021 in 249804 control chromosomes. To our knowledge, no occurrence of c.620C>T in individuals affected with FADD-Related Immunodeficiency and no experimental evidence demonstrating its impact on protein function have been reported. One submitter has cited clinical-significance assessments for this variant to ClinVar after 2014 and has classified the variant as likely benign. Based on the evidence outlined above, the variant was classified as uncertain significance.